The following is an entry in ClinVar:

NM_001843.4(CNTN1):c.2495T>C (p.Val832Ala)

Gene: CNTN1 (contactin 1; plus strand). Cytogenetic location: 12q12.
Variant type: single nucleotide variant.
Coding change: c.2495T>C on transcript NM_001843.4 (MANE Select); coding-DNA position 2495, T replaced by C.
Protein change: p.Val832Ala; replaces valine 832 with alanine.
Molecular consequence: missense variant.
Genome position (GRCh38, 1-based): chr12:41,020,412, T>C. VCF-style: chr12-41020412-T-C. GRCh37 (hg19) VCF-style: chr12-41414214-T-C.
Other names: c.2495T>C (NM_001843.2); c.2462T>C, p.Val821Ala (NM_175038.2); short protein forms V832A, V821A.
Identifiers: ClinVar variation 1345196 (VCV001345196.8), dbSNP rs780316987, ClinGen allele CA6517151.

ClinVar aggregate classification (germline): Uncertain significance. Review status: criteria provided, multiple submitters, no conflicts (2 of 4 stars). 2 submissions from 2 submitters: Uncertain significance (2). Last evaluated 2023-03-21.

Conditions:
Inborn genetic diseases. Identifiers: MedGen C0950123, MeSH D030342.
Compton-North congenital myopathy (CMYO12). Identifiers: Orphanet 210163, MedGen C2675527, MONDO:0012929, OMIM 612540.

Allele frequency attached by ClinVar (database versions not stated): ExAC 0.00001; gnomAD exomes 0.00001.
gnomAD v4.1: 9 of 1,611,304 alleles (0.00056%); highest among the groups gnomAD compares: African/African-American, 0.012%; no homozygotes.

Submissions (2):

Ambry Genetics
Classification: Uncertain significance for Inborn genetic diseases. Last evaluated: 2023-03-21. Review status: criteria provided, single submitter. Criteria: Ambry Variant Classification Scheme 2023. Collection method: clinical testing. Allele origin: germline.

Labcorp Genetics (formerly Invitae), Labcorp
Classification: Uncertain significance for Compton-North congenital myopathy. Last evaluated: 2021-04-22. Review status: criteria provided, single submitter. Criteria: Invitae Variant Classification Sherloc (09022015). Collection method: clinical testing. Allele origin: germline.
Comment: In summary, the available evidence is currently insufficient to determine the role of this variant in disease. Therefore, it has been classified as a Variant of Uncertain Significance. Advanced modeling of protein sequence and biophysical properties (such as structural, functional, and spatial information, amino acid conservation, physicochemical variation, residue mobility, and thermodynamic stability) performed at Invitae indicates that this missense variant is not expected to disrupt CNTN1 protein function. This variant has not been reported in the literature in individuals with CNTN1-related conditions. This variant is present in population databases (rs780316987, ExAC 0.01%). This sequence change replaces valine with alanine at codon 832 of the CNTN1 protein (p.Val832Ala). The valine residue is highly conserved and there is a small physicochemical difference between valine and alanine.